The following is an entry in ClinVar:

NM_001267550.2(TTN):c.1828G>C (p.Val610Leu)

Gene: TTN (titin; minus strand). Cytogenetic location: 2q31.2.
Variant type: single nucleotide variant.
Coding change: c.1828G>C on transcript NM_001267550.2 (MANE Select); coding-DNA position 1828, G replaced by C.
Protein change: p.Val610Leu; replaces valine 610 with leucine.
Molecular consequence: missense variant.
Genome position (GRCh38, 1-based): chr2:178,790,088, C>G on the plus strand (G>C on the coding strand, the complement: TTN is on the minus strand). VCF-style: chr2-178790088-C-G. GRCh37 (hg19) VCF-style: chr2-179654815-C-G.
Other names: c.1828G>C, p.Val610Leu (NM_133378.4, NM_001256850.1, NM_133379.5); c.1690G>C, p.Val564Leu (NM_003319.4, NM_133432.3, NM_133437.4); short protein forms V610L, V564L.
Identifiers: ClinVar variation 46692 (VCV000046692.7), dbSNP rs397517499, ClinGen allele CA138978.

ClinVar aggregate classification (germline): Uncertain significance. Review status: criteria provided, multiple submitters, no conflicts (2 of 4 stars). 2 submissions from 2 submitters: Uncertain significance (2). Last evaluated 2019-08-12.

Conditions:
Cardiovascular phenotype. Identifiers: MedGen CN230736.

Allele frequency attached by ClinVar (database versions not stated): TOPMed 0.00004.
gnomAD v4.1: 3 of 1,612,898 alleles (0.00019%); highest among the groups gnomAD compares: African/African-American, 0.0027%; no homozygotes.

Submissions (2):

Ambry Genetics
Classification: Uncertain significance for Cardiovascular phenotype. Last evaluated: 2019-08-12. Review status: criteria provided, single submitter. Criteria: Ambry Variant Classification Scheme 2023. Collection method: clinical testing. Allele origin: germline.
Comment: The p.V564L variant (also known as c.1690G>C), located in coding exon 10 of the TTN gene, results from a G to C substitution at nucleotide position 1690. The valine at codon 564 is replaced by leucine, an amino acid with highly similar properties. This amino acid position is highly conserved in available vertebrate species. In addition, this alteration is predicted to be tolerated by in silico analysis. Since supporting evidence is limited at this time, the clinical significance of this alteration remains unclear.

Laboratory for Molecular Medicine, Mass General Brigham Personalized Medicine
Classification: Uncertain significance. Last evaluated: 2012-10-25. Review status: criteria provided, single submitter. Criteria: LMM Criteria. Collection method: clinical testing. Allele origin: germline. Observed: 1 variant allele.
Comment: The Val610Leu variant in TTN has not been reported in the literature nor previou sly identified by our laboratory. Computational analyses (biochemical amino acid properties, conservation, AlignGVGD, PolyPhen2, and SIFT) do not provide strong support for or against an impact to the protein. Additional information is need ed to fully assess the clinical significance of this variant.